The following is an entry in ClinVar:

ClinVar aggregate classification (germline): Uncertain significance. Review status: reviewed by expert panel (3 of 4 stars). 2 submissions from 2 submitters: Uncertain significance (1). 1 of the submissions does not count toward it. Last evaluated 2024-07-25.

Conditions:
Hereditary thrombocytopenia and hematologic cancer predisposition syndrome. Identifiers: Orphanet 71290, MedGen CN281654, MONDO:0011071.

Allele frequency attached by ClinVar (database versions not stated): gnomAD exomes below 0.00001; TOPMed below 0.00001.
gnomAD v4.1: 4 of 1,614,154 alleles (0.00025%); highest among the groups gnomAD compares: Non-Finnish European, 0.00034%; no homozygotes.

Submissions (2):

ClinGen Myeloid Malignancy Variant Curation Expert Panel
Classification: Uncertain significance for Hereditary thrombocytopenia and hematologic cancer predisposition syndrome. Last evaluated: 2024-07-25. Review status: reviewed by expert panel. Criteria: ClinGen MyeloMalig ACMG Specifications v2. Collection method: curation. Allele origin: germline. Inheritance: Autosomal dominant inheritance.
Comment: NM_001754.5(RUNX1):c.895G>A (p.Ala299Thr) is a missense variant which is absent from gnomAD v2 and v3 (PM2_supporting). This variant has not been reported in the literature. The computational predictor REVEL gives a score of 0.112, which is below the threshold of 0.50, and the splice site predictor SpliceAI indicated that the variant has no impact on splicing, evidence that does not predict a damaging effect on RUNX1 function (BP4). In summary, this variant meets the criteria to be classified as a variant of uncertain significance (VUS) for autosomal dominant hereditary thrombocytopenia and hematologic cancer predisposition syndrome based on the ACMG/AMP criteria applied, as specified by the ClinGen Myeloid Malignancy VCEP: PM2_supporting and BP4.

GeneDx
Classification: Uncertain significance. Last evaluated: 2022-04-18. Review status: criteria provided, single submitter. Criteria: GeneDx Variant Classification Process June 2021. Collection method: clinical testing. Allele origin: germline. Affected: yes. Not counted in ClinVar's aggregate classification.
Comment: Not observed at significant frequency in large population cohorts (gnomAD); In silico analysis supports that this missense variant does not alter protein structure/function; Has not been previously published as pathogenic or benign to our knowledge

NM_001754.5(RUNX1):c.895G>A (p.Ala299Thr)

Gene: RUNX1 (RUNX family transcription factor 1; minus strand). Cytogenetic location: 21q22.12.
Variant type: single nucleotide variant.
Coding change: c.895G>A on transcript NM_001754.5 (MANE Select); coding-DNA position 895, G replaced by A.
Protein change: p.Ala299Thr; replaces alanine 299 with threonine.
Molecular consequence: missense variant.
Genome position (GRCh38, 1-based): chr21:34,799,373, C>T on the plus strand (G>A on the coding strand, the complement: RUNX1 is on the minus strand). VCF-style: chr21-34799373-C-T. GRCh37 (hg19) VCF-style: chr21-36171670-C-T.
Other names: NM_001754.5(RUNX1):c.895G>A; p.Ala299Thr; c.814G>A, p.Ala272Thr (NM_001001890.3); short protein forms A272T, A299T.
Identifiers: ClinVar variation 1711954 (VCV001711954.3), dbSNP rs775128266, ClinGen allele CA320255506.